The following is an entry in ClinVar:

ClinVar aggregate classification (germline): Uncertain significance. Review status: criteria provided, multiple submitters, no conflicts (2 of 4 stars). 2 submissions from 2 submitters: Uncertain significance (2). Last evaluated 2025-06-27.

Conditions:
Collagen 6-related myopathy. Identifiers: MedGen CN117976, MONDO:0100225.

gnomAD v4.1: 20 of 1,614,154 alleles (0.0012%); highest among the groups gnomAD compares: East Asian, 0.022%; no homozygotes.

Submissions (2):

GeneDx
Classification: Uncertain significance. Last evaluated: 2025-06-27. Review status: criteria provided, single submitter. Criteria: GeneDx Variant Classification Process June 2021. Collection method: clinical testing. Allele origin: germline. Affected: yes.
Comment: In silico analysis suggests that this missense variant does not alter protein structure/function; Has not been previously published as pathogenic or benign to our knowledge

Victorian Clinical Genetics Services, Murdoch Childrens Research Institute
Classification: Uncertain significance for Collagen 6-related myopathy. Last evaluated: 2019-08-28. Review status: criteria provided, single submitter. Criteria: ACMG Guidelines, 2015. Collection method: clinical testing. Allele origin: germline.
Comment: A heterozygous missense variant was identified, NM_004369.3(COL6A3):c.488C>T in exon 3 of 44 of the COL6A3 gene. This substitution is predicted to create a minor amino acid change from an alanine to a valine at position 163 of the protein, NP_004360.2(COL6A3):p.(Ala163Val). The alanine at this position has low conservation (100 vertebrates, UCSC), and is located within the von Willebrand factor type A domain. In silico software predictions of the pathogenicity of this variant are conflicting (Polyphen, SIFT, CADD, Mutation Taster). The variant is present in the gnomAD population database at frequencies of 0.03% (5 heterozygotes, 0 homozygotes) and 0.002% (7 heterozygotes, 0 homozygotes) in the East Asian subpopulation and the global population, respectively. An alternative residue change at the same location has been reported in the gnomAD database at a frequency of 0.0004%. The variant has not been previously reported in clinical cases. Based on information available at the time of curation, this variant has been classified as a VARIANT of UNCERTAIN SIGNIFICANCE (VUS) with LOW CLINICAL RELEVANCE.

NM_004369.4(COL6A3):c.488C>T (p.Ala163Val)

Gene: COL6A3 (collagen type VI alpha 3 chain; minus strand). Cytogenetic location: 2q37.3.
Variant type: single nucleotide variant.
Coding change: c.488C>T on transcript NM_004369.4 (MANE Select); coding-DNA position 488, C replaced by T.
Protein change: p.Ala163Val; replaces alanine 163 with valine.
Molecular consequence: missense variant. On other transcripts: intron variant (4).
Genome position (GRCh38, 1-based): chr2:237,394,808, G>A on the plus strand (C>T on the coding strand, the complement: COL6A3 is on the minus strand). VCF-style: chr2-237394808-G-A. GRCh37 (hg19) VCF-style: chr2-238303451-G-A.
Other names: c.91+1919C>T (NM_057166.5, NM_057167.4, NM_057164.5 and 1 more transcripts); short protein forms A163V.
Identifiers: ClinVar variation 3377446 (VCV003377446.2).